The following is an entry in ClinVar:

NM_004380.3(CREBBP):c.3385G>A (p.Val1129Ile)

Gene: CREBBP (CREB binding lysine acetyltransferase; minus strand). Cytogenetic location: 16p13.3.
Variant type: single nucleotide variant.
Coding change: c.3385G>A on transcript NM_004380.3 (MANE Select); coding-DNA position 3385, G replaced by A.
Protein change: p.Val1129Ile; replaces valine 1129 with isoleucine.
Molecular consequence: missense variant.
Genome position (GRCh38, 1-based): chr16:3,758,033, C>T on the plus strand (G>A on the coding strand, the complement: CREBBP is on the minus strand). VCF-style: chr16-3758033-C-T. GRCh37 (hg19) VCF-style: chr16-3808034-C-T.
Other names: c.3385G>A (NM_004380.2); c.3271G>A, p.Val1091Ile (NM_001079846.1); short protein forms V1091I, V1129I.
Identifiers: ClinVar variation 1474991 (VCV001474991.13), dbSNP rs774047746, ClinGen allele CA7869821.

ClinVar aggregate classification (germline): Uncertain significance. Review status: criteria provided, multiple submitters, no conflicts (2 of 4 stars). 5 submissions from 5 submitters: Uncertain significance (5). Last evaluated 2026-07-01.

Conditions:
Rubinstein-Taybi syndrome (RSTS). Identifiers: Orphanet 783, MedGen C0035934, MONDO:0019188.
CREBBP-related disorder. Also called: CREBBP-related disorders; CREBBP-related condition.

Allele frequency attached by ClinVar (database versions not stated): gnomAD 0.00001; gnomAD exomes 0.00001 and 0.00002; TOPMed 0.00001; ExAC 0.00002.
gnomAD v4.1: 18 of 1,609,806 alleles (0.0011%); highest among the groups gnomAD compares: Non-Finnish European, 0.0012%; no homozygotes.

Submissions (5):

CeGaT Center for Human Genetics Tuebingen
Classification: Uncertain significance. Last evaluated: 2026-07-01. Review status: criteria provided, single submitter. Criteria: CeGaT Center For Human Genetics Tuebingen Variant Classification Criteria Version 2. Collection method: clinical testing. Allele origin: germline. Affected: yes. Observed: 1 variant allele.
Comment: CREBBP: PP2

PreventionGenetics, part of Exact Sciences
Classification: Uncertain significance for CREBBP-related condition. Last evaluated: 2025-07-25. Review status: criteria provided, single submitter. Criteria: ACMG Guidelines, 2015. Collection method: clinical testing. Allele origin: germline.
Comment: The CREBBP c.3385G>A variant is predicted to result in the amino acid substitution p.Val1129Ile. To our knowledge, this variant has not been reported in the literature in individuals with CREBBP-related disease. This variant is reported in 0.0036% of alleles in individuals of European (Non-Finnish) descent in gnomAD. Of note, this variant has been observed in 18 alleles in the most recent release of gnomad (v4). At this time, the clinical significance of this variant is uncertain due to the absence of conclusive functional and genetic evidence.

Labcorp Genetics (formerly Invitae), Labcorp
Classification: Uncertain significance for Rubinstein-Taybi syndrome. Last evaluated: 2024-03-27. Review status: criteria provided, single submitter. Criteria: Invitae Variant Classification Sherloc (09022015). Collection method: clinical testing. Allele origin: germline.
Comment: This sequence change replaces valine, which is neutral and non-polar, with isoleucine, which is neutral and non-polar, at codon 1129 of the CREBBP protein (p.Val1129Ile). The frequency data for this variant in the population databases is considered unreliable, as metrics indicate poor data quality at this position in the gnomAD database. This variant has not been reported in the literature in individuals affected with CREBBP-related conditions. ClinVar contains an entry for this variant (Variation ID: 1474991). Advanced modeling of protein sequence and biophysical properties (such as structural, functional, and spatial information, amino acid conservation, physicochemical variation, residue mobility, and thermodynamic stability) has been performed at Invitae for this missense variant, however the output from this modeling did not meet the statistical confidence thresholds required to predict the impact of this variant on CREBBP protein function. In summary, the available evidence is currently insufficient to determine the role of this variant in disease. Therefore, it has been classified as a Variant of Uncertain Significance.

Revvity Omics, Revvity
Classification: Uncertain significance. Last evaluated: 2023-07-25. Review status: criteria provided, single submitter. Criteria: ACMG Guidelines, 2015. Collection method: clinical testing. Allele origin: germline.

Clinical Genetics Laboratory, Skane University Hospital Lund
Classification: Uncertain significance. Last evaluated: 2023-03-06. Review status: criteria provided, single submitter. Criteria: ACMG Guidelines, 2015. Collection method: clinical testing. Allele origin: germline. Affected: yes.